The following is an entry in ClinVar:

ClinVar aggregate classification (germline): Conflicting classifications of pathogenicity. Review status: criteria provided, conflicting classifications (1 of 4 stars). 3 submissions from 3 submitters: Uncertain significance (2); Likely benign (1). Last evaluated 2026-01-28.

Conditions:
Inborn genetic diseases. Identifiers: MedGen C0950123, MeSH D030342.
Multiple gastrointestinal atresias. Also called: FAMILIAL INTESTINAL POLYATRESIA SYNDROME; Multiple intestinal atresia. Identifiers: Orphanet 2300, MedGen C0220744, MONDO:0009465.

Allele frequency attached by ClinVar (database versions not stated): TOPMed 0.00006; gnomAD 0.00007; gnomAD exomes 0.00008 and 0.00014; ExAC 0.00010.
gnomAD v4.1: 133 of 1,613,634 alleles (0.0082%); highest among the groups gnomAD compares: Admixed American, 0.005%; no homozygotes.

Submissions (3):

Labcorp Genetics (formerly Invitae), Labcorp
Classification: Likely benign for Multiple gastrointestinal atresias. Last evaluated: 2026-01-28. Review status: criteria provided, single submitter. Criteria: Invitae Variant Classification Sherloc (09022015). Collection method: clinical testing. Allele origin: germline.

Ambry Genetics
Classification: Uncertain significance for Inborn genetic diseases. Last evaluated: 2024-09-10. Review status: criteria provided, single submitter. Criteria: Ambry Variant Classification Scheme 2023. Collection method: clinical testing. Allele origin: germline.

GeneDx
Classification: Uncertain significance. Last evaluated: 2024-05-15. Review status: criteria provided, single submitter. Criteria: GeneDx Variant Classification Process June 2021. Collection method: clinical testing. Allele origin: germline. Affected: yes.
Comment: In silico analysis indicates that this missense variant does not alter protein structure/function; Has not been previously published as pathogenic or benign to our knowledge

NM_020458.4(TTC7A):c.2444C>T (p.Ala815Val)

Gene: TTC7A (tetratricopeptide repeat domain 7A; plus strand). Cytogenetic location: 2p21.
Variant type: single nucleotide variant.
Coding change: c.2444C>T on transcript NM_020458.4 (MANE Select); coding-DNA position 2444, C replaced by T.
Protein change: p.Ala815Val; replaces alanine 815 with valine.
Molecular consequence: missense variant.
Genome position (GRCh38, 1-based): chr2:47,073,790, C>T. VCF-style: chr2-47073790-C-T. GRCh37 (hg19) VCF-style: chr2-47300929-C-T.
Other names: c.2444C>T (NM_020458.2); c.2516C>T, p.Ala839Val (NM_001288951.2); c.2342C>T, p.Ala781Val (NM_001288953.2); c.1382C>T, p.Ala461Val (NM_001288955.2); short protein forms A815V, A781V, A461V, A839V.
Identifiers: ClinVar variation 734236 (VCV000734236.13), dbSNP rs748142531, ClinGen allele CA1648166.